The following is an entry in ClinVar:

NM_015076.5(CDK19):c.952A>G (p.Met318Val)

Gene: CDK19 (cyclin dependent kinase 19; minus strand). Cytogenetic location: 6q21.
Variant type: single nucleotide variant.
Coding change: c.952A>G on transcript NM_015076.5 (MANE Select); coding-DNA position 952, A replaced by G.
Protein change: p.Met318Val; replaces methionine 318 with valine.
Molecular consequence: missense variant.
Genome position (GRCh38, 1-based): chr6:110,622,894, T>C on the plus strand (A>G on the coding strand, the complement: CDK19 is on the minus strand). VCF-style: chr6-110622894-T-C. GRCh37 (hg19) VCF-style: chr6-110944097-T-C.
Other names: c.820A>G, p.Met274Val (NM_001300960.2); c.772A>G, p.Met258Val (NM_001300963.2, NM_001300964.2); short protein forms M258V, M274V, M318V.
Identifiers: ClinVar variation 1690535 (VCV001690535.2), dbSNP rs1778804193, ClinGen allele CA365356598.

ClinVar aggregate classification (germline): Uncertain significance (1 of 4 stars; one submission).

Allele frequency attached by ClinVar (database versions not stated): gnomAD exomes below 0.00001; TOPMed below 0.00001.
gnomAD v4.1: 5 of 1,612,450 alleles (0.00031%); highest among the groups gnomAD compares: African/African-American, 0.0013%; no homozygotes.

Submission:

Laboratorio de Genetica e Diagnostico Molecular, Hospital Israelita Albert Einstein
Classification: Uncertain significance. Last evaluated: 2021-12-28. Review status: criteria provided, single submitter. Criteria: ACMG Guidelines, 2015. Collection method: clinical testing. Allele origin: germline. Affected: yes.
Comment: ACMG classification criteria: PM2, PP2, BP4